The following is an entry in ClinVar:

ClinVar aggregate classification (germline): Uncertain significance (1 of 4 stars; one submission).

Submission:

GeneDx
Classification: Uncertain significance. Last evaluated: 2023-10-26. Review status: criteria provided, single submitter. Criteria: GeneDx Variant Classification Process June 2021. Collection method: clinical testing. Allele origin: germline. Affected: yes.
Comment: In silico analysis supports that this missense variant has a deleterious effect on protein structure/function; Has not been previously published as pathogenic or benign to our knowledge; Variants in candidate genes are classified as variants of uncertain significance in accordance with ACMG guidelines (PMID: 25741868)

NM_004758.4(TSPOAP1):c.5035C>T (p.Arg1679Trp)

Gene: TSPOAP1 (TSPO associated protein 1; minus strand). Cytogenetic location: 17q22.
Variant type: single nucleotide variant.
Coding change: c.5035C>T on transcript NM_004758.4 (MANE Select); coding-DNA position 5035, C replaced by T.
Protein change: p.Arg1679Trp; replaces arginine 1679 with tryptophan.
Molecular consequence: missense variant.
Genome position (GRCh38, 1-based): chr17:58,306,917, G>A on the plus strand (C>T on the coding strand, the complement: TSPOAP1 is on the minus strand). VCF-style: chr17-58306917-G-A. GRCh37 (hg19) VCF-style: chr17-56384278-G-A.
Other names: c.5035C>T, p.Arg1679Trp (NM_001261835.2); c.4855C>T, p.Arg1619Trp (NM_024418.3); short protein forms R1679W, R1619W.
Identifiers: ClinVar variation 3730910 (VCV003730910.1).
Genomic context (GRCh38, chr17:58,306,917, plus strand): 5'-TCCCAGCAGGGCTGTCCACAGCCACCTCAGCCACCATGTTGCAGGGAATGTAGCCTGTCC[G>A]GCCCCCACCTTCGCCCTGGTAGAAGCCATCGGCATCCTTGTCCCCAAACACCTGGAGGCA-3'
Protein context (NP_004749.2, residues 1669-1689): DGFYQGEGGG[Arg1679Trp]TGYIPCNMVA